The following is an entry in ClinVar:

ClinVar aggregate classification (germline): Benign/Likely benign. Review status: criteria provided, multiple submitters, no conflicts (2 of 4 stars). 3 submissions from 3 submitters: Benign (1); Likely benign (1). 1 of the submissions does not count toward it. Last evaluated 2025-09-21.

Conditions:
VCAN-related disorder. Also called: VCAN-related condition.

Allele frequency attached by ClinVar (database versions not stated): gnomAD 0.00001 and 0.00006; TOPMed 0.00005; ExAC 0.00019; 1000 Genomes Project 30x 0.00094.
gnomAD v4.1: 159 of 1,614,120 alleles (0.0099%); highest among the groups gnomAD compares: South Asian, 0.13%; 2 homozygotes.

Submissions (3):

Labcorp Genetics (formerly Invitae), Labcorp
Classification: Benign. Last evaluated: 2025-09-21. Review status: criteria provided, single submitter. Criteria: Invitae Variant Classification Sherloc (09022015). Collection method: clinical testing. Allele origin: germline.

Blueprint Genetics
Classification: Likely benign. Last evaluated: 2024-10-28. Review status: criteria provided, single submitter. Criteria: ACMG Guidelines, 2015. Collection method: clinical testing. Allele origin: germline.

PreventionGenetics, part of Exact Sciences
Classification: Likely benign for VCAN-related condition. Last evaluated: 2024-07-03. Review status: no assertion criteria provided. Collection method: clinical testing. Allele origin: germline. Not counted in ClinVar's aggregate classification.
Comment: This variant is classified as likely benign based on ACMG/AMP sequence variant interpretation guidelines (Richards et al. 2015 PMID: 25741868, with internal and published modifications).

NM_004385.5(VCAN):c.1191C>T (p.Pro397=)

Gene: VCAN (versican; plus strand). Cytogenetic location: 5q14.3.
Variant type: single nucleotide variant.
Coding change: c.1191C>T on transcript NM_004385.5 (MANE Select); coding-DNA position 1191, C replaced by T.
Protein change: p.Pro397=; no amino-acid change (proline 397 retained).
Molecular consequence: synonymous variant. On other transcripts: intron variant (2).
Genome position (GRCh38, 1-based): chr5:83,519,497, C>T. VCF-style: chr5-83519497-C-T. GRCh37 (hg19) VCF-style: chr5-82815316-C-T.
Other names: c.1191C>T, p.Pro397= (NM_001164098.2); c.1042+7101C>T (NM_001164097.2, NM_001126336.3); c.1191C>T (NM_004385.4).
Identifiers: ClinVar variation 1169197 (VCV001169197.11), dbSNP rs762666146, ClinGen allele CA3332624.
Genomic context (GRCh38, chr5:83,519,497, plus strand): 5'-AACTACACCAATCATCCCTTTAGTTGATGAATTACCTGTCATTCCAACAGAGTTCCCTCC[C>T]GTGGGAAATATTGTCAGTTTTGAACAGAAAGCCACAGTCCAACCTCAGGCTATCACAGAT-3'
Protein context (NP_004376.2, residues 387-407): ELPVIPTEFP[Pro397=]VGNIVSFEQK